The following is an entry in ClinVar:

NM_015272.5(RPGRIP1L):c.196C>T (p.Gln66Ter)

Gene: RPGRIP1L (RPGRIP1 like; minus strand). Cytogenetic location: 16q12.2.
Variant type: single nucleotide variant.
Coding change: c.196C>T on transcript NM_015272.5 (MANE Select); coding-DNA position 196, C replaced by T.
Protein change: p.Gln66Ter; replaces glutamine 66 with a stop codon.
Molecular consequence: nonsense.
Genome position (GRCh38, 1-based): chr16:53,696,185, G>A on the plus strand (C>T on the coding strand, the complement: RPGRIP1L is on the minus strand). VCF-style: chr16-53696185-G-A. GRCh37 (hg19) VCF-style: chr16-53730097-G-A.
Other names: c.196C>T, p.Gln66Ter (NM_001127897.4, NM_001308334.3, NM_001328422.2 and 2 more transcripts); short protein forms Q66*.
Identifiers: ClinVar variation 640372 (VCV000640372.44), dbSNP rs751444506, ClinGen allele CA395925850.

ClinVar aggregate classification (germline): Pathogenic/Likely pathogenic. Review status: criteria provided, multiple submitters, no conflicts (2 of 4 stars). 7 submissions from 7 submitters: Pathogenic (2); Likely pathogenic (4). 1 of the submissions does not count toward it. Last evaluated 2025-12-14.

Conditions:
Joubert syndrome. Also called: Familial aplasia of the vermis; JOUBERT-BOLTSHAUSER SYNDROME. Identifiers: Orphanet 475, MedGen C5979921, MONDO:0018772.
Joubert syndrome 7 (JBTS7). Identifiers: Orphanet 220497, MedGen C1969053, MONDO:0012694, OMIM 611560.
Meckel syndrome, type 5 (MKS5). Identifiers: Orphanet 564, MedGen C1969052, MONDO:0012695, OMIM 611561.
COACH syndrome 3. Identifiers: MedGen C5436841, MONDO:0030862, OMIM 619113.
RPGRIP1L-related disorder. Also called: RPGRIP1L-related condition; RPGRIP1L-related disorders. Identifiers: MedGen CN239416.
Meckel-Gruber syndrome. Also called: Dysencephalia splachnocystica; DYSENCEPHALIA SPLANCHNOCYSTICA; GRUBER SYNDROME. Identifiers: Orphanet 564, MedGen C0265215, MONDO:0018921.
Joubert syndrome and related disorders. Identifiers: Orphanet 140874, MedGen C5679612, MONDO:0015369.

Allele frequency attached by ClinVar (database versions not stated): gnomAD 0.00001; TOPMed 0.00002.
gnomAD v4.1: 5 of 1,613,842 alleles (0.00031%); highest among the groups gnomAD compares: Non-Finnish European, 0.00034%; no homozygotes.

Submissions (7):

Labcorp Genetics (formerly Invitae), Labcorp
Classification: Pathogenic for Joubert syndrome; Meckel-Gruber syndrome. Last evaluated: 2025-12-14. Review status: criteria provided, single submitter. Criteria: Invitae Variant Classification Sherloc (09022015). Collection method: clinical testing. Allele origin: germline.
Comment: This sequence change creates a premature translational stop signal (p.Gln66*) in the RPGRIP1L gene. It is expected to result in an absent or disrupted protein product. Loss-of-function variants in RPGRIP1L are known to be pathogenic (PMID: 17558409). This variant is not present in population databases (gnomAD no frequency). This variant has not been reported in the literature in individuals affected with RPGRIP1L-related conditions. ClinVar contains an entry for this variant (Variation ID: 640372). Algorithms developed to predict the effect of sequence changes on RNA splicing suggest that this variant may disrupt the consensus splice site. For these reasons, this variant has been classified as Pathogenic.

Natera, Inc.
Classification: Likely pathogenic for Joubert syndrome. Last evaluated: 2025-05-11. Review status: criteria provided, single submitter. Criteria: Natera Variant Classification Schema (03/2026). Collection method: clinical testing. Allele origin: germline.
Comment: The c.196C>T variant in RPGRIP1L is a nonsense variant predicted to introduce a stop codon at amino acid 66. This variant is expected to result in nonsense mediated decay, truncation, or a dysfunctional protein product. This variant is rare in the general population with a frequency below the threshold expected for the associated phenotype(s). Given the available evidence, this variant is classified as Likely Pathogenic.

CeGaT Center for Human Genetics Tuebingen
Classification: Pathogenic. Last evaluated: 2025-01-01. Review status: criteria provided, single submitter. Criteria: CeGaT Center For Human Genetics Tuebingen Variant Classification Criteria Version 2. Collection method: clinical testing. Allele origin: germline. Affected: yes. Observed: 2 variant alleles.
Comment: RPGRIP1L: PVS1, PM2, PM3

Fulgent Genetics
Classification: Likely pathogenic for Joubert syndrome 7; Meckel syndrome, type 5; COACH syndrome 3. Last evaluated: 2024-03-05. Review status: criteria provided, single submitter. Criteria: ACMG Guidelines, 2015. Collection method: clinical testing. Allele origin: germline.

Women's Health and Genetics/Laboratory Corporation of America, LabCorp
Classification: Likely pathogenic for Joubert syndrome and related disorders. Last evaluated: 2022-07-13. Review status: criteria provided, single submitter. Criteria: LabCorp Variant Classification Summary - May 2015. Collection method: clinical testing. Allele origin: germline.
Comment: Variant summary: RPGRIP1L c.196C>T (p.Gln66X) results in a premature termination codon, predicted to cause a truncation of the encoded protein or absence of the protein due to nonsense mediated decay, which are commonly known mechanisms for disease. Truncations downstream of this position have been classified as pathogenic by our laboratory and is associated with Joubert Syndrome in HGMD. The variant was absent in 251470 control chromosomes (gnomAD). To our knowledge, no occurence of c.196C>T in individuals affected with Joubert Syndrome And Related Disorders and no experimental evidence demonstrating an impact on protein function has been reported. One clinical diagnostic laboratory has submitted clinical-significance assessments for this variant to ClinVar after 2014 and classified the variant as pathogenic. Based on the evidence outlined above, the variant was classified as likely pathogenic.

Blueprint Genetics
Classification: Likely pathogenic for RPGRIP1L-related disorders. Last evaluated: 2020-08-19. Review status: criteria provided, single submitter. Criteria: ACMG Guidelines, 2015. Collection method: clinical testing. Allele origin: germline. Affected: yes. Observed: 2 variant alleles.

PreventionGenetics, part of Exact Sciences
Classification: Likely pathogenic for RPGRIP1L-related condition. Last evaluated: 2024-06-20. Review status: no assertion criteria provided. Collection method: clinical testing. Allele origin: germline. Not counted in ClinVar's aggregate classification.
Comment: The RPGRIP1L c.196C>T variant is predicted to result in premature protein termination (p.Gln66*). This variant was identified and classified as a likely pathogenic finding in a patient with Joubert syndrome in a whole genome sequencing cohort (Hou et al. 2020. PubMed ID: 31980526). This variant has not been reported in a large population database, indicating this variant is rare. Nonsense variants in RPGRIP1L are expected to be pathogenic. This variant is interpreted as likely pathogenic.

Literature cited by the submitters: PubMed 17558409 (cited by Labcorp Genetics (formerly Invitae), Labcorp); PubMed 31980526 (cited by Women's Health and Genetics/Laboratory Corporation of America, LabCorp).